The following is an entry in ClinVar:

ClinVar aggregate classification (germline): Uncertain significance. Review status: criteria provided, multiple submitters, no conflicts (2 of 4 stars). 2 submissions from 2 submitters: Uncertain significance (2). Last evaluated 2024-04-25.

Conditions:
Cardiomyopathy (CMYO). Also called: Cardiomyopathies. Identifiers: Orphanet 167848, MedGen C0878544, MONDO:0004994, HP:0001638. Inheritance: Various modes of inheritance.
Catecholaminergic polymorphic ventricular tachycardia (CVPT). Also called: Catecholamine-induced polymorphic ventricular tachycardia. Identifiers: Orphanet 3286, MedGen C5574922, MONDO:0017990.

Submissions (2):

All of Us Research Program, National Institutes of Health
Classification: Uncertain significance for Catecholaminergic polymorphic ventricular tachycardia. Last evaluated: 2024-04-25. Review status: criteria provided, single submitter. Criteria: ACMG Guidelines, 2015. Collection method: clinical testing. Allele origin: germline. Inheritance: Autosomal dominant inheritance. Observed: 1 variant allele, 1 heterozygote.
Comment: This missense variant replaces asparagine with lysine at codon 4212 of the RYR2 protein. Computational prediction suggests that this variant may not impact protein structure and function (internally defined REVEL score threshold <= 0.5, PMID: 27666373). To our knowledge, functional studies have not been reported for this variant. This variant has not been reported in individuals affected with RYR2-related disorders in the literature. This variant has not been identified in the general population by the Genome Aggregation Database (gnomAD). The available evidence is insufficient to determine the role of this variant in disease conclusively. Therefore, this variant is classified as a Variant of Uncertain Significance.

This study involves interpretation of variants in research participants for the purpose of population health screening. Participant phenotype was not available at the time of variant classification. Additional details can be found in publication PMID: 35346344, PMCID: PMC8962531

Color Diagnostics, LLC DBA Color Health
Classification: Uncertain significance for Cardiomyopathy. Last evaluated: 2024-04-17. Review status: criteria provided, single submitter. Criteria: ACMG Guidelines, 2015. Collection method: clinical testing. Allele origin: germline.
Comment: This missense variant replaces asparagine with lysine at codon 4212 of the RYR2 protein. Computational prediction suggests that this variant may not impact protein structure and function (internally defined REVEL score threshold <= 0.5, PMID: 27666373). To our knowledge, functional studies have not been reported for this variant. This variant has not been reported in individuals affected with RYR2-related disorders in the literature. This variant has not been identified in the general population by the Genome Aggregation Database (gnomAD). The available evidence is insufficient to determine the role of this variant in disease conclusively. Therefore, this variant is classified as a Variant of Uncertain Significance.

NM_001035.3(RYR2):c.12636C>A (p.Asn4212Lys)

Genes: RYR2 (ryanodine receptor 2; plus strand), LOC126806068 (BRD4-independent group 4 enhancer GRCh37_chr1:237947411-237948610; plus strand). Cytogenetic location: 1q43.
Variant type: single nucleotide variant.
Coding change: c.12636C>A on transcript NM_001035.3 (MANE Select); coding-DNA position 12636, C replaced by A.
Protein change: p.Asn4212Lys; replaces asparagine 4212 with lysine.
Molecular consequence: missense variant.
Genome position (GRCh38, 1-based): chr1:237,784,348, C>A. VCF-style: chr1-237784348-C-A. GRCh37 (hg19) VCF-style: chr1-237947648-C-A.
Other names: short protein forms N4212K.
Identifiers: ClinVar variation 2774396 (VCV002774396.3), dbSNP rs1041564863, ClinGen allele CA345413801.
Genomic context (GRCh38, chr1:237,784,348, plus strand): 5'-CTGCGAGGACACCATCTTTGAAATGCAGCTGGCGGCTCAGATCTCGGAGTCGGACTTGAA[C>A]GAGAGGTCAGCGAATAAGGAAGAAAGCGAGAAGGAGAGGCCGGAAGAGCAGGGGCCGAGG-3'
Protein context (NP_001026.2, residues 4202-4222): LAAQISESDL[Asn4212Lys]ERSANKEESE